The following is an entry in ClinVar:

NM_003480.4(MFAP5):c.463A>G (p.Asn155Asp)

Genes: MFAP5 (microfibril associated protein 5; minus strand), LOC126861443 (BRD4-independent group 4 enhancer GRCh37_chr12:8800473-8801672; plus strand). Cytogenetic location: 12p13.31.
Variant type: single nucleotide variant.
Coding change: c.463A>G on transcript NM_003480.4 (MANE Select); coding-DNA position 463, A replaced by G.
Protein change: p.Asn155Asp; replaces asparagine 155 with aspartic acid.
Molecular consequence: missense variant. On other transcripts: non-coding transcript variant (2).
Genome position (GRCh38, 1-based): chr12:8,648,150, T>C on the plus strand (A>G on the coding strand, the complement: MFAP5 is on the minus strand). VCF-style: chr12-8648150-T-C. GRCh37 (hg19) VCF-style: chr12-8800746-T-C.
Other names: c.433A>G, p.Asn145Asp (NM_001297709.2); c.397A>G, p.Asn133Asp (NM_001297710.2); c.388A>G, p.Asn130Asp (NM_001297711.2); c.271A>G, p.Asn91Asp (NM_001297712.2); short protein forms N130D, N133D, N91D, N145D, N155D.
Identifiers: ClinVar variation 2055099 (VCV002055099.4), dbSNP rs2540282694, ClinGen allele CA384038701.

ClinVar aggregate classification (germline): Uncertain significance (1 of 4 stars; one submission).

Submission:

Labcorp Genetics (formerly Invitae), Labcorp
Classification: Uncertain significance. Last evaluated: 2022-07-14. Review status: criteria provided, single submitter. Criteria: Invitae Variant Classification Sherloc (09022015). Collection method: clinical testing. Allele origin: germline.
Comment: This sequence change replaces asparagine, which is neutral and polar, with aspartic acid, which is acidic and polar, at codon 155 of the MFAP5 protein (p.Asn155Asp). This variant is not present in population databases (gnomAD no frequency). This variant has not been reported in the literature in individuals affected with MFAP5-related conditions. Algorithms developed to predict the effect of missense changes on protein structure and function (SIFT, PolyPhen-2, Align-GVGD) all suggest that this variant is likely to be tolerated. In summary, the available evidence is currently insufficient to determine the role of this variant in disease. Therefore, it has been classified as a Variant of Uncertain Significance.